The following is an entry in ClinVar:

NM_007272.3(CTRC):c.77T>C (p.Leu26Pro)

Gene: CTRC (chymotrypsin C; plus strand). Cytogenetic location: 1p36.21.
Variant type: single nucleotide variant.
Coding change: c.77T>C on transcript NM_007272.3 (MANE Select); coding-DNA position 77, T replaced by C.
Protein change: p.Leu26Pro; replaces leucine 26 with proline.
Molecular consequence: missense variant.
Genome position (GRCh38, 1-based): chr1:15,440,336, T>C. VCF-style: chr1-15440336-T-C. GRCh37 (hg19) VCF-style: chr1-15766832-T-C.
Other names: short protein forms L26P.
Identifiers: ClinVar variation 1760693 (VCV001760693.2), dbSNP rs2526289459, ClinGen allele CA338564541.

ClinVar aggregate classification (germline): Uncertain significance (1 of 4 stars; one submission).

Conditions:
Hereditary pancreatitis (PCTT). Also called: Hereditary chronic pancreatitis; PRSS1-Related Hereditary Pancreatitis. Identifiers: Orphanet 676, MedGen C0238339, MONDO:0008185, OMIM 167800.

Submission:

Ambry Genetics
Classification: Uncertain significance for Hereditary pancreatitis. Last evaluated: 2022-03-16. Review status: criteria provided, single submitter. Criteria: Ambry Variant Classification Scheme 2023. Collection method: clinical testing. Allele origin: germline.
Comment: The p.L26P variant (also known as c.77T>C), located in coding exon 2 of the CTRC gene, results from a T to C substitution at nucleotide position 77. The leucine at codon 26 is replaced by proline, an amino acid with similar properties. This amino acid position is conserved. In addition, this alteration is predicted to be tolerated by in silico analysis. Since supporting evidence is limited at this time, the clinical significance of this alteration remains unclear.